The following is an entry in ClinVar:

ClinVar aggregate classification (germline): Uncertain significance (1 of 4 stars; one submission).

Submission:

Labcorp Genetics (formerly Invitae), Labcorp
Classification: Uncertain significance. Last evaluated: 2023-12-02. Review status: criteria provided, single submitter. Criteria: Invitae Variant Classification Sherloc (09022015). Collection method: clinical testing. Allele origin: germline.
Comment: This sequence change replaces glycine, which is neutral and non-polar, with valine, which is neutral and non-polar, at codon 534 of the POLR1A protein (p.Gly534Val). This variant is not present in population databases (gnomAD no frequency). This variant has not been reported in the literature in individuals affected with POLR1A-related conditions. Advanced modeling of protein sequence and biophysical properties (such as structural, functional, and spatial information, amino acid conservation, physicochemical variation, residue mobility, and thermodynamic stability) performed at Invitae indicates that this missense variant is not expected to disrupt POLR1A protein function with a negative predictive value of 80%. Algorithms developed to predict the effect of sequence changes on RNA splicing suggest that this variant may create or strengthen a splice site. In summary, the available evidence is currently insufficient to determine the role of this variant in disease. Therefore, it has been classified as a Variant of Uncertain Significance.

NM_015425.6(POLR1A):c.1601G>T (p.Gly534Val)

Gene: POLR1A (RNA polymerase I subunit A; minus strand). Cytogenetic location: 2p11.2.
Variant type: single nucleotide variant.
Coding change: c.1601G>T on transcript NM_015425.6 (MANE Select); coding-DNA position 1601, G replaced by T.
Protein change: p.Gly534Val; replaces glycine 534 with valine.
Molecular consequence: missense variant.
Genome position (GRCh38, 1-based): chr2:86,075,040, C>A on the plus strand (G>T on the coding strand, the complement: POLR1A is on the minus strand). VCF-style: chr2-86075040-C-A. GRCh37 (hg19) VCF-style: chr2-86302163-C-A.
Other names: short protein forms G534V.
Identifiers: ClinVar variation 2879908 (VCV002879908.3), dbSNP rs2466432312, ClinGen allele CA347550137.